The following is an entry in ClinVar:

ClinVar aggregate classification (germline): Uncertain significance (1 of 4 stars; one submission).

Conditions:
Hereditary cancer-predisposing syndrome. Also called: Neoplastic Syndromes, Hereditary; Tumor predisposition; Hereditary neoplastic syndrome; Hereditary Cancer Syndrome. Identifiers: Orphanet 140162, MedGen C0027672, MeSH D009386, MONDO:0015356.

Submission:

Ambry Genetics
Classification: Uncertain significance for Hereditary cancer-predisposing syndrome. Last evaluated: 2026-07-07. Review status: criteria provided, single submitter. Criteria: Ambry Variant Classification Scheme 2023. Collection method: clinical testing. Allele origin: germline.
Comment: The p.T46I variant (also known as c.137C>T), located in coding exon 1 of the TMEM127 gene, results from a C to T substitution at nucleotide position 137. The threonine at codon 46 is replaced by isoleucine, an amino acid with similar properties. This amino acid position is conserved. In addition, this alteration is predicted to be deleterious by in silico analysis. Based on the available evidence, the clinical significance of this variant remains unclear.

NM_017849.4(TMEM127):c.137C>T (p.Thr46Ile)

Gene: TMEM127 (transmembrane protein 127; minus strand). Cytogenetic location: 2q11.2.
Variant type: single nucleotide variant.
Coding change: c.137C>T on transcript NM_017849.4 (MANE Select); coding-DNA position 137, C replaced by T.
Protein change: p.Thr46Ile; replaces threonine 46 with isoleucine.
Molecular consequence: missense variant. On other transcripts: intron variant (1).
Genome position (GRCh38, 1-based): chr2:96,265,245, G>A on the plus strand (C>T on the coding strand, the complement: TMEM127 is on the minus strand). VCF-style: chr2-96265245-G-A. GRCh37 (hg19) VCF-style: chr2-96930983-G-A.
Other names: c.137C>T, p.Thr46Ile (NM_001193304.3); c.-9+624C>T (NM_001407283.1); short protein forms T46I.
Identifiers: ClinVar variation 5030920 (VCV005030920.1).